The following is an entry in ClinVar:

NM_001943.5(DSG2):c.1276G>A (p.Ala426Thr)

Gene: DSG2 (desmoglein 2; plus strand). Cytogenetic location: 18q12.1.
Variant type: single nucleotide variant.
Coding change: c.1276G>A on transcript NM_001943.5 (MANE Select); coding-DNA position 1276, G replaced by A.
Protein change: p.Ala426Thr; replaces alanine 426 with threonine.
Molecular consequence: missense variant.
Genome position (GRCh38, 1-based): chr18:31,531,248, G>A. VCF-style: chr18-31531248-G-A. GRCh37 (hg19) VCF-style: chr18-29111211-G-A.
Other names: short protein forms A426T.
Identifiers: ClinVar variation 2775220 (VCV002775220.2), dbSNP rs2510915525, ClinGen allele CA402139682.
Genomic context (GRCh38, chr18:31,531,248, plus strand): 5'-AAAGGCCAAATAATTGGAAATTTTCAAGCTTTTGATGAGGACACTGGACTACCAGCCCAT[G>A]CAAGGTAAGAGAGAGTGACACGTGTATTTCTTTATTTTAAATTATTTTCAGTGCCTATTT-3'
Protein context (NP_001934.2, residues 416-436): FDEDTGLPAH[Ala426Thr]RYVKLEDRDN

ClinVar aggregate classification (germline): Uncertain significance (1 of 4 stars; one submission).

Conditions:
Cardiomyopathy (CMYO). Also called: Cardiomyopathies. Identifiers: Orphanet 167848, MedGen C0878544, MONDO:0004994, HP:0001638. Inheritance: Various modes of inheritance.

Submission:

Color Diagnostics, LLC DBA Color Health
Classification: Uncertain significance for Cardiomyopathy. Last evaluated: 2022-12-13. Review status: criteria provided, single submitter. Criteria: ACMG Guidelines, 2015. Collection method: clinical testing. Allele origin: germline.
Comment: This missense variant replaces alanine with threonine at codon 426 of the DSG2 protein. Computational prediction suggests that this variant may not impact protein structure and function (internally defined REVEL score threshold <= 0.5, PMID: 27666373). To our knowledge, functional studies have not been reported for this variant. This variant has not been reported in individuals affected with DSG2-related disorders in the literature. This variant has not been identified in the general population by the Genome Aggregation Database (gnomAD). The available evidence is insufficient to determine the role of this variant in disease conclusively. Therefore, this variant is classified as a Variant of Uncertain Significance.